The following is an entry in ClinVar:

ClinVar aggregate classification (germline): Pathogenic (1 of 4 stars; one submission).

Conditions:
Hypertrophic cardiomyopathy. Also called: HYPERTROPHIC MYOCARDIOPATHY. Identifiers: Orphanet 217569, MedGen C0007194, MeSH D002312, MONDO:0005045, HP:0001639.

Submission:

Labcorp Genetics (formerly Invitae), Labcorp
Classification: Pathogenic for Hypertrophic cardiomyopathy. Last evaluated: 2025-12-08. Review status: criteria provided, single submitter. Criteria: Invitae Variant Classification Sherloc (09022015). Collection method: clinical testing. Allele origin: germline.
Comment: This sequence change creates a premature translational stop signal (p.Gly868Valfs*11) in the MYBPC3 gene. It is expected to result in an absent or disrupted protein product. Loss-of-function variants in MYBPC3 are known to be pathogenic (PMID: 19574547). This variant is not present in population databases (gnomAD no frequency). This variant has not been reported in the literature in individuals affected with MYBPC3-related conditions. ClinVar contains an entry for this variant (Variation ID: 2838676). Algorithms developed to predict the effect of sequence changes on RNA splicing suggest that this variant may disrupt the consensus splice site. For these reasons, this variant has been classified as Pathogenic.

Literature cited by the submitters: PubMed 19574547.

NC_000011.10:g.47336012del

Gene: MYBPC3 (myosin binding protein C3; minus strand). Cytogenetic location: 11p11.2.
Variant type: Deletion.
Genome position: GRCh38 VCF-style: chr11-47336010-AC-A. GRCh37 (hg19) VCF-style: chr11-47357561-AC-A.
Identifiers: ClinVar variation 2838676 (VCV002838676.3), dbSNP rs2495746816, ClinGen allele CA2739270419.